The following is an entry in ClinVar:

ClinVar aggregate classification (germline): Uncertain significance (1 of 4 stars; one submission).

gnomAD v4.1: 1 of 1,614,076 alleles (0.000062%); highest among the groups gnomAD compares: Non-Finnish European, 0.000085%; no homozygotes.

Submission:

Labcorp Genetics (formerly Invitae), Labcorp
Classification: Uncertain significance. Last evaluated: 2026-01-26. Review status: criteria provided, single submitter. Criteria: Invitae Variant Classification Sherloc (09022015). Collection method: clinical testing. Allele origin: germline.
Comment: This sequence change replaces methionine, which is neutral and non-polar, with valine, which is neutral and non-polar, at codon 754 of the DDR2 protein (p.Met754Val). This variant is not present in population databases (gnomAD no frequency). This variant has not been reported in the literature in individuals affected with DDR2-related conditions. An algorithm developed to predict the effect of missense changes on protein structure and function (PolyPhen-2) suggests that this variant is likely to be disruptive. In summary, the available evidence is currently insufficient to determine the role of this variant in disease. Therefore, it has been classified as a Variant of Uncertain Significance.

NM_006182.4(DDR2):c.2260A>G (p.Met754Val)

Gene: DDR2 (discoidin domain receptor tyrosine kinase 2; plus strand). Cytogenetic location: 1q23.3.
Variant type: single nucleotide variant.
Coding change: c.2260A>G on transcript NM_006182.4 (MANE Select); coding-DNA position 2260, A replaced by G.
Protein change: p.Met754Val; replaces methionine 754 with valine.
Molecular consequence: missense variant.
Genome position (GRCh38, 1-based): chr1:162,776,347, A>G. VCF-style: chr1-162776347-A-G. GRCh37 (hg19) VCF-style: chr1-162746137-A-G.
Other names: c.2260A>G, p.Met754Val (NM_001014796.3, NM_001354982.2, NM_001354983.2); short protein forms M754V.
Identifiers: ClinVar variation 4761809 (VCV004761809.1).
Genomic context (GRCh38, chr1:162,776,347, plus strand): 5'-AACCTGTACAGTGGTGACTATTACCGGATCCAGGGCCGGGCAGTGCTCCCTATCCGCTGG[A>G]TGTCTTGGGAGAGTATCTTGCTGGTAAGTTCTCAGCATTTTAAAGCCCTGTCTAACAACT-3'
Protein context (NP_006173.2, residues 744-764): QGRAVLPIRW[Met754Val]SWESILLGKF